The following is an entry in ClinVar:

ClinVar aggregate classification (germline): Uncertain significance. Review status: criteria provided, multiple submitters, no conflicts (2 of 4 stars). 4 submissions from 4 submitters: Uncertain significance (4). Last evaluated 2022-07-26.

Conditions:
Inborn genetic diseases. Identifiers: MedGen C0950123, MeSH D030342.
Cortical dysplasia-focal epilepsy syndrome (PTHSL1). Also called: Pitt-Hopkins-like syndrome 1. Identifiers: Orphanet 163681, Orphanet 221150, MedGen C2750246, MONDO:0012400, OMIM 610042.

Allele frequency attached by ClinVar (database versions not stated): gnomAD exomes below 0.00001; gnomAD 0.00001; TOPMed 0.00001.
gnomAD v4.1: 6 of 1,614,042 alleles (0.00037%); highest among the groups gnomAD compares: Non-Finnish European, 0.00051%; no homozygotes.

Submissions (4):

Ambry Genetics
Classification: Uncertain significance for Inborn genetic diseases. Last evaluated: 2022-07-26. Review status: criteria provided, single submitter. Criteria: Ambry Variant Classification Scheme 2023. Collection method: clinical testing. Allele origin: germline.

Labcorp Genetics (formerly Invitae), Labcorp
Classification: Uncertain significance for Cortical dysplasia-focal epilepsy syndrome. Last evaluated: 2022-07-23. Review status: criteria provided, single submitter. Criteria: Invitae Variant Classification Sherloc (09022015). Collection method: clinical testing. Allele origin: germline.
Comment: ClinVar contains an entry for this variant (Variation ID: 193895). In summary, the available evidence is currently insufficient to determine the role of this variant in disease. Therefore, it has been classified as a Variant of Uncertain Significance. Algorithms developed to predict the effect of missense changes on protein structure and function are either unavailable or do not agree on the potential impact of this missense change (SIFT: "Tolerated"; PolyPhen-2: "Probably Damaging"; Align-GVGD: "Class C0"). This variant has not been reported in the literature in individuals affected with CNTNAP2-related conditions. This variant is not present in population databases (gnomAD no frequency). This sequence change replaces serine, which is neutral and polar, with cysteine, which is neutral and slightly polar, at codon 575 of the CNTNAP2 protein (p.Ser575Cys).

GeneDx
Classification: Uncertain significance. Last evaluated: 2020-10-29. Review status: criteria provided, single submitter. Criteria: GeneDx Variant Classification Process June 2021. Collection method: clinical testing. Allele origin: germline. Affected: yes.
Comment: Has not been previously published as pathogenic or benign to our knowledge; Not observed in large population cohorts (Lek et al., 2016); In silico analysis supports that this missense variant has a deleterious effect on protein structure/function

Eurofins Ntd Llc (ga)
Classification: Uncertain significance. Last evaluated: 2018-02-06. Review status: criteria provided, single submitter. Criteria: EGL Classification Definitions 2015. Collection method: clinical testing. Allele origin: germline. Observed: 2 variant alleles, 2 heterozygotes.

NM_014141.6(CNTNAP2):c.1723A>T (p.Ser575Cys)

Gene: CNTNAP2 (contactin associated protein 2; plus strand). Cytogenetic location: 7q35.
Variant type: single nucleotide variant.
Coding change: c.1723A>T on transcript NM_014141.6 (MANE Select); coding-DNA position 1723, A replaced by T.
Protein change: p.Ser575Cys; replaces serine 575 with cysteine.
Molecular consequence: missense variant.
Genome position (GRCh38, 1-based): chr7:147,485,987, A>T. VCF-style: chr7-147485987-A-T. GRCh37 (hg19) VCF-style: chr7-147183079-A-T.
Other names: short protein forms S575C.
Identifiers: ClinVar variation 193895 (VCV000193895.13), dbSNP rs794727033, ClinGen allele CA239599.